The following is an entry in ClinVar:

NM_019066.5(MAGEL2):c.1646C>G (p.Thr549Arg)

Gene: MAGEL2 (MAGE family member L2; minus strand). Cytogenetic location: 15q11.2.
Variant type: single nucleotide variant.
Coding change: c.1646C>G on transcript NM_019066.5 (MANE Select); coding-DNA position 1646, C replaced by G.
Protein change: p.Thr549Arg; replaces threonine 549 with arginine.
Molecular consequence: missense variant.
Genome position (GRCh38, 1-based): chr15:23,646,097, G>C on the plus strand (C>G on the coding strand, the complement: MAGEL2 is on the minus strand). VCF-style: chr15-23646097-G-C. GRCh37 (hg19) VCF-style: chr15-23891244-G-C.
Other names: short protein forms T549R.
Identifiers: ClinVar variation 3664561 (VCV003664561.2).
Genomic context (GRCh38, chr15:23,646,097, plus strand): 5'-GGGGCCGGCAGCACAGGCTGGGGCACCTGCGGGCCAGCGGGCGGCGCCGCGGGTACCTGC[G>C]TAGCAGGTGGGGCCGTAGGCACCTGCGGCGCCGCCTGCACCTGCGGGGCCGGCAGCCTAG-3'
Protein context (NP_061939.3, residues 539-559): APQVPTAPPA[Thr549Arg]QVPAAPPAGP

ClinVar aggregate classification (germline): Uncertain significance (1 of 4 stars; one submission).

Submission:

Labcorp Genetics (formerly Invitae), Labcorp
Classification: Uncertain significance. Last evaluated: 2024-09-04. Review status: criteria provided, single submitter. Criteria: Invitae Variant Classification Sherloc (09022015). Collection method: clinical testing. Allele origin: germline.
Comment: This sequence change replaces threonine, which is neutral and polar, with arginine, which is basic and polar, at codon 549 of the MAGEL2 protein (p.Thr549Arg). This variant is not present in population databases (gnomAD no frequency). This variant has not been reported in the literature in individuals affected with MAGEL2-related conditions. Invitae Evidence Modeling of protein sequence and biophysical properties (such as structural, functional, and spatial information, amino acid conservation, physicochemical variation, residue mobility, and thermodynamic stability) indicates that this missense variant is not expected to disrupt MAGEL2 protein function with a negative predictive value of 80%. In summary, the available evidence is currently insufficient to determine the role of this variant in disease. Therefore, it has been classified as a Variant of Uncertain Significance.